The following is an entry in ClinVar:

ClinVar aggregate classification (germline): Uncertain significance. Review status: criteria provided, multiple submitters, no conflicts (2 of 4 stars). 2 submissions from 2 submitters: Uncertain significance (2). Last evaluated 2024-10-04.

Allele frequency attached by ClinVar (database versions not stated): gnomAD exomes 0.00002; ExAC 0.00007; gnomAD 0.00010; TOPMed 0.00011; ESP Exome Variant Server 0.00023.
gnomAD v4.1: 39 of 1,612,276 alleles (0.0024%); highest among the groups gnomAD compares: African/African-American, 0.028%; no homozygotes.

Submissions (2):

Ambry Genetics
Classification: Uncertain significance. Last evaluated: 2024-10-04. Review status: criteria provided, single submitter. Criteria: Ambry Variant Classification Scheme 2023. Collection method: clinical testing. Allele origin: germline.

Labcorp Genetics (formerly Invitae), Labcorp
Classification: Uncertain significance. Last evaluated: 2023-08-04. Review status: criteria provided, single submitter. Criteria: Invitae Variant Classification Sherloc (09022015). Collection method: clinical testing. Allele origin: germline.
Comment: An algorithm developed to predict the effect of missense changes on protein structure and function (PolyPhen-2) suggests that this variant is likely to be disruptive. This sequence change replaces arginine, which is basic and polar, with cysteine, which is neutral and slightly polar, at codon 556 of the SYNPO protein (p.Arg556Cys). This variant is present in population databases (rs149554571, gnomAD 0.03%). This variant has not been reported in the literature in individuals affected with SYNPO-related conditions. In summary, the available evidence is currently insufficient to determine the role of this variant in disease. Therefore, it has been classified as a Variant of Uncertain Significance.

NM_007286.6(SYNPO):c.1666C>T (p.Arg556Cys)

Gene: SYNPO (synaptopodin; plus strand). Cytogenetic location: 5q33.1.
Variant type: single nucleotide variant.
Coding change: c.1666C>T on transcript NM_007286.6 (MANE Select); coding-DNA position 1666, C replaced by T.
Protein change: p.Arg556Cys; replaces arginine 556 with cysteine.
Molecular consequence: missense variant.
Genome position (GRCh38, 1-based): chr5:150,649,941, C>T. VCF-style: chr5-150649941-C-T. GRCh37 (hg19) VCF-style: chr5-150029503-C-T.
Other names: c.2398C>T (NM_001166208.1); c.1666C>T, p.Arg556Cys (NM_001109974.3); c.2398C>T, p.Arg800Cys (NM_001166208.2, NM_001166209.2); short protein forms R556C, R800C.
Identifiers: ClinVar variation 2868665 (VCV002868665.4), dbSNP rs149554571, ClinGen allele CA3513455.